The following is an entry in ClinVar:

ClinVar aggregate classification (germline): Pathogenic (1 of 4 stars; one submission).

Conditions:
Meckel-Gruber syndrome. Also called: DYSENCEPHALIA SPLANCHNOCYSTICA; GRUBER SYNDROME; Dysencephalia splachnocystica. Identifiers: Orphanet 564, MedGen C0265215, MONDO:0018921.
Joubert syndrome. Also called: CEREBELLOPARENCHYMAL DISORDER IV; JOUBERT-BOLTSHAUSER SYNDROME; Familial aplasia of the vermis. Identifiers: Orphanet 475, MedGen C5979921, MONDO:0018772.

Submission:

Labcorp Genetics (formerly Invitae), Labcorp
Classification: Pathogenic for Joubert syndrome; Meckel-Gruber syndrome. Last evaluated: 2022-07-17. Review status: criteria provided, single submitter. Criteria: Invitae Variant Classification Sherloc (09022015). Collection method: clinical testing. Allele origin: germline.
Comment: For these reasons, this variant has been classified as Pathogenic. This variant has not been reported in the literature in individuals affected with RPGRIP1L-related conditions. This variant is a gross deletion of the genomic region encompassing exon(s) 8-9 of the RPGRIP1L gene. This deletion is out-of-frame, and is expected to create a premature termination codon and result in an absent or disrupted protein product. Loss-of-function variants in RPGRIP1L are known to be pathogenic (PMID: 17558409).

Literature cited by the submitters: PubMed 17558409.

NC_000016.9:g.(?_53705412)_(53706938_?)del

Gene: RPGRIP1L (RPGRIP1 like; minus strand). Cytogenetic location: 16q12.2.
Variant type: Deletion.
Identifiers: ClinVar variation 1456490 (VCV001456490.9).